The following is an entry in ClinVar:

NM_000287.4(PEX6):c.659G>T (p.Gly220Val)

Gene: PEX6 (peroxisomal biogenesis factor 6; minus strand). Cytogenetic location: 6p21.1.
Variant type: single nucleotide variant.
Coding change: c.659G>T on transcript NM_000287.4 (MANE Select); coding-DNA position 659, G replaced by T.
Protein change: p.Gly220Val; replaces glycine 220 with valine.
Molecular consequence: missense variant. On other transcripts: non-coding transcript variant (1), intron variant (1).
Genome position (GRCh38, 1-based): chr6:42,978,492, C>A on the plus strand (G>T on the coding strand, the complement: PEX6 is on the minus strand). VCF-style: chr6-42978492-C-A. GRCh37 (hg19) VCF-style: chr6-42946230-C-A.
Other names: c.618+41G>T (NM_001316313.2); short protein forms G220V.
Identifiers: ClinVar variation 545099 (VCV000545099.7), dbSNP rs267608203, ClinGen allele CA138237883.

ClinVar aggregate classification (germline): Conflicting classifications of pathogenicity. Review status: criteria provided, conflicting classifications (1 of 4 stars). 6 submissions from 6 submitters: Likely pathogenic (2); Uncertain significance (2). 2 of the submissions do not count toward it. Last evaluated 2025-02-17.

Conditions:
Zellweger spectrum disorders (ZS). Also called: Zellweger syndrome; Zellweger Spectrum Disorder; Zellweger Spectrum; Zellweger Spectrum Disorder (ZSD). Identifiers: Orphanet 912, MedGen C0043459, MONDO:0019609.
Heimler syndrome 2 (HMLR2). Also called: PEROXISOME BIOGENESIS DISORDER 4C. Identifiers: Orphanet 3220, MedGen C4225267, OMIM 616617, MONDO:0014709.
Peroxisome biogenesis disorder 4A (Zellweger) (PBD4A). Also called: Zellweger syndrome spectrum (PEX6-related). Identifiers: Orphanet 912, MedGen C3553936, MONDO:0013930, OMIM 614862. Disease mechanism: loss of function.
Peroxisome biogenesis disorder 4B (PBD4B). Also called: SPINOCEREBELLAR ATAXIA WITH BLINDNESS AND DEAFNESS 1. Identifiers: Orphanet 44, Orphanet 95433, MedGen C3553937, MONDO:0013931, OMIM 614863.
Peroxisome biogenesis disorder. Identifiers: Orphanet 79189, MedGen C1832200, MONDO:0019234. Disease mechanism: loss of function.

Allele frequency attached by ClinVar (database versions not stated): gnomAD exomes 0.00001.

Submissions (6):

Natera, Inc.
Classification: Likely pathogenic for Zellweger syndrome. Last evaluated: 2025-02-17. Review status: criteria provided, single submitter. Criteria: Natera Variant Classification Schema (03/2026). Collection method: clinical testing. Allele origin: germline.
Comment: The c.659G>T variant in PEX6 is a missense variant predicted to cause substitution of glycine to valine at amino acid 220. This variant is rare in the general population with a frequency below the threshold expected for the associated phenotype(s). This variant has been observed in one or more individuals affected with the associated recessive disease, as either homozygous or compound heterozygous with a second variant (PMID: 26275793, 31884617, 19877282, 19877282). This variant has been identified in one or more affected individuals with a phenotype highly consistent with the associated gene (PMID: 31884617). Computational prediction algorithms indicate this variant is likely to affect gene or protein function. Given the available evidence, this variant is classified as Likely Pathogenic.

Women's Health and Genetics/Laboratory Corporation of America, LabCorp
Classification: Uncertain significance. Last evaluated: 2023-12-05. Review status: criteria provided, single submitter. Criteria: LabCorp Variant Classification Summary - May 2015. Collection method: clinical testing. Allele origin: germline.
Comment: Variant summary: PEX6 c.659G>T (p.Gly220Val) results in a non-conservative amino acid change to a highly conserved residue (HGMD) in the encoded protein sequence. Five of five in-silico tools predict a damaging effect of the variant on protein function. The variant was absent in 251228 control chromosomes (gnomAD). c.659G>T has been reported in the literature in individuals affected with features of Zellweger Syndrome (Ebberink_2010, Mechaussier_2019). These data indicate that the variant may be associated with disease. To our knowledge, no experimental evidence demonstrating an impact on protein function has been reported. The following publications have been ascertained in the context of this evaluation (PMID: 19877282, 26275793, 31884617). Three submitters have cited clinical-significance assessments for this variant to ClinVar after 2014, and classified it as uncertain significance (n=2) or pathogenic (n=1). Based on the evidence outlined above, the variant was classified as VUS-possibly pathogenic.

Baylor Genetics
Classification: Likely pathogenic for Heimler syndrome 2. Last evaluated: 2022-12-17. Review status: criteria provided, single submitter. Criteria: ACMG Guidelines, 2015. Collection method: clinical testing. Allele origin: unknown.

Labcorp Genetics (formerly Invitae), Labcorp
Classification: Uncertain significance for Peroxisome biogenesis disorder. Last evaluated: 2022-08-09. Review status: criteria provided, single submitter. Criteria: Invitae Variant Classification Sherloc (09022015). Collection method: clinical testing. Allele origin: germline.
Comment: This sequence change replaces glycine, which is neutral and non-polar, with valine, which is neutral and non-polar, at codon 220 of the PEX6 protein (p.Gly220Val). This variant is not present in population databases (gnomAD no frequency). This missense change has been observed in individual(s) with clinical features of PEX6-related conditions (PMID: 19877282, 26275793, 31884617). In at least one individual the data is consistent with being in trans (on the opposite chromosome) from a pathogenic variant. ClinVar contains an entry for this variant (Variation ID: 545099). Algorithms developed to predict the effect of missense changes on protein structure and function are either unavailable or do not agree on the potential impact of this missense change (SIFT: "Tolerated"; PolyPhen-2: "Probably Damaging"; Align-GVGD: "Class C0"). In summary, the available evidence is currently insufficient to determine the role of this variant in disease. Therefore, it has been classified as a Variant of Uncertain Significance.

Counsyl
Classification: Uncertain significance for Peroxisome biogenesis disorder 4A (Zellweger); Peroxisome biogenesis disorder 4B. Last evaluated: 2018-02-13. Review status: no assertion criteria provided. Collection method: clinical testing. Allele origin: unknown. Not counted in ClinVar's aggregate classification.

Laboratory of Molecular Genetics (Pr. Bezieau's lab), CHU de Nantes
Classification: Pathogenic. Last evaluated: 2018-01-03. Review status: no assertion criteria provided. Collection method: clinical testing. Allele origin: germline. Affected: yes. Not counted in ClinVar's aggregate classification.

Literature cited by the submitters: PubMed 26275793 (cited by 4 submitters); PubMed 31884617 (cited by 3 submitters); PubMed 19877282 (cited by 4 submitters).